The following is an entry in ClinVar:

ClinVar aggregate classification (germline): Uncertain significance (1 of 4 stars; one submission).

Submission:

GeneDx
Classification: Uncertain significance. Last evaluated: 2019-12-31. Review status: criteria provided, single submitter. Criteria: GeneDx Variant Classification Process June 2021. Collection method: clinical testing. Allele origin: germline. Affected: yes.
Comment: Not observed in large population cohorts (Lek et al., 2016); Has not been previously published as pathogenic or benign to our knowledge; In-silico analysis, which includes splice predictors and evolutionary conservation, is inconclusive as to whether the variant alters gene splicing. In the absence of RNA/functional studies, the actual effect of this sequence change is unknown

NM_000937.5(POLR2A):c.3814-11_3814-8del

Gene: POLR2A (RNA polymerase II subunit A; plus strand). Cytogenetic location: 17p13.1.
Variant type: Deletion.
Coding change: c.3814-11_3814-8del on transcript NM_000937.5 (MANE Select); 11 bases into the intron before coding-DNA position 3814 through 8 bases into the intron before coding-DNA position 3814, 4 bases deleted (TCTC; older notation c.3814-11_3814-8delTCTC).
Molecular consequence: intron variant.
Genome position (GRCh38, 1-based): chr17:7,511,204-7,511,207, TCTC deleted; deleting any 4 consecutive bases within chr17:7,511,203-7,511,207 gives the same sequence; the c. name uses the placement nearest the transcript's 3' end. VCF-style (leftmost placement, unchanged base first): chr17-7511202-ACTCT-A. GRCh37 (hg19) VCF-style: chr17-7414521-ACTCT-A.
Identifiers: ClinVar variation 1311693 (VCV001311693.2), dbSNP rs1292873748, ClinGen allele CA775021062.